The following is an entry in ClinVar:

NM_020207.7(ERCC6L2):c.974G>A (p.Ser325Asn)

Gene: ERCC6L2 (ERCC excision repair 6 like 2; plus strand). Cytogenetic location: 9q22.32.
Variant type: single nucleotide variant.
Coding change: c.974G>A on transcript NM_020207.7 (MANE Select); coding-DNA position 974, G replaced by A.
Protein change: p.Ser325Asn; replaces serine 325 with asparagine.
Molecular consequence: missense variant. On other transcripts: non-coding transcript variant (1).
Genome position (GRCh38, 1-based): chr9:95,916,250, G>A. VCF-style: chr9-95916250-G-A. GRCh37 (hg19) VCF-style: chr9-98678532-G-A.
Other names: c.974G>A, p.Ser325Asn (NM_001375292.1, NM_001375293.1, NM_001375294.1 and 2 more transcripts); short protein forms S325N.
Identifiers: ClinVar variation 4825653 (VCV004825653.1).

ClinVar aggregate classification (germline): Uncertain significance (1 of 4 stars; one submission).

Conditions:
Inborn genetic diseases. Identifiers: MedGen C0950123, MeSH D030342.

gnomAD v4.1: 1 of 1,614,142 alleles (0.000062%); highest among the groups gnomAD compares: Non-Finnish European, 0.000085%; no homozygotes.

Submission:

Ambry Genetics
Classification: Uncertain significance for Inborn genetic diseases. Last evaluated: 2026-02-16. Review status: criteria provided, single submitter. Criteria: Ambry Variant Classification Scheme 2023. Collection method: clinical testing. Allele origin: germline.
Comment: The p.S325N variant (also known as c.974G>A), located in coding exon 6 of the ERCC6L2 gene, results from a G to A substitution at nucleotide position 974. The serine at codon 325 is replaced by asparagine, an amino acid with highly similar properties. This amino acid position is conserved. In addition, this alteration is predicted to be tolerated by in silico analysis. Based on the available evidence, the clinical significance of this variant remains unclear.